The following is an entry in ClinVar:

NM_015909.4(NBAS):c.5274G>C (p.Arg1758Ser)

Gene: NBAS (NBAS subunit of NRZ tethering complex; minus strand). Cytogenetic location: 2p24.3.
Variant type: single nucleotide variant.
Coding change: c.5274G>C on transcript NM_015909.4 (MANE Select); coding-DNA position 5274, G replaced by C.
Protein change: p.Arg1758Ser; replaces arginine 1758 with serine.
Molecular consequence: missense variant. On other transcripts: non-coding transcript variant (1).
Genome position (GRCh38, 1-based): chr2:15,276,966, C>G on the plus strand (G>C on the coding strand, the complement: NBAS is on the minus strand). VCF-style: chr2-15276966-C-G. GRCh37 (hg19) VCF-style: chr2-15417090-C-G.
Other names: short protein forms R1758S.
Identifiers: ClinVar variation 1462277 (VCV001462277.3), dbSNP rs748785613, ClinGen allele CA345883678.

ClinVar aggregate classification (germline): Uncertain significance (1 of 4 stars; one submission).

gnomAD v4.1: 4 of 1,613,996 alleles (0.00025%); highest among the groups gnomAD compares: African/African-American, 0.0013%; no homozygotes.

Submission:

Labcorp Genetics (formerly Invitae), Labcorp
Classification: Uncertain significance. Last evaluated: 2022-08-31. Review status: criteria provided, single submitter. Criteria: Invitae Variant Classification Sherloc (09022015). Collection method: clinical testing. Allele origin: germline.
Comment: This sequence change replaces arginine, which is basic and polar, with serine, which is neutral and polar, at codon 1758 of the NBAS protein (p.Arg1758Ser). This variant is not present in population databases (gnomAD no frequency). This variant has not been reported in the literature in individuals affected with NBAS-related conditions. ClinVar contains an entry for this variant (Variation ID: 1462277). Algorithms developed to predict the effect of missense changes on protein structure and function (SIFT, PolyPhen-2, Align-GVGD) all suggest that this variant is likely to be disruptive. In summary, the available evidence is currently insufficient to determine the role of this variant in disease. Therefore, it has been classified as a Variant of Uncertain Significance.